The following is an entry in ClinVar:

NM_001165963.4(SCN1A):c.3343G>C (p.Val1115Leu)

Genes: SCN1A (sodium voltage-gated channel alpha subunit 1; minus strand), LOC102724058 (uncharacterized LOC102724058; plus strand). Cytogenetic location: 2q24.3.
Variant type: single nucleotide variant.
Coding change: c.3343G>C on transcript NM_001165963.4 (MANE Select); coding-DNA position 3343, G replaced by C.
Protein change: p.Val1115Leu; replaces valine 1115 with leucine.
Molecular consequence: missense variant. On other transcripts: non-coding transcript variant (2).
Genome position (GRCh38, 1-based): chr2:166,036,134, C>G on the plus strand (G>C on the coding strand, the complement: SCN1A is on the minus strand). VCF-style: chr2-166036134-C-G. GRCh37 (hg19) VCF-style: chr2-166892644-C-G.
Other names: c.3259G>C, p.Val1087Leu (NM_001165964.3, NM_001353957.2, NM_001353958.2); c.3343G>C, p.Val1115Leu (NM_001202435.3, NM_001353948.2); c.3310G>C, p.Val1104Leu (NM_001353949.2, NM_001353950.2, NM_001353951.2 and 2 more transcripts); c.3307G>C, p.Val1103Leu (NM_001353954.2, NM_001353955.2); c.3256G>C, p.Val1086Leu (NM_001353960.2); c.901G>C, p.Val301Leu (NM_001353961.2); c.3343G>C (NM_001165963.1); short protein forms V1087L, V1103L, V1104L, V1086L, V1115L, V301L.
Identifiers: ClinVar variation 2836174 (VCV002836174.4), dbSNP rs2468075646, ClinGen allele CA349059262.

ClinVar aggregate classification (germline): Uncertain significance. Review status: criteria provided, multiple submitters, no conflicts (2 of 4 stars). 2 submissions from 2 submitters: Uncertain significance (2). Last evaluated 2023-12-14.

Conditions:
Early-infantile DEE. Also called: Early infantile epileptic encephalopathy; Early infantile epileptic encephalopathy with suppression bursts; Ohtahara syndrome. Identifiers: Orphanet 1934, MedGen C0393706, MONDO:0800491.

Submissions (2):

GeneDx
Classification: Uncertain significance. Last evaluated: 2023-12-14. Review status: criteria provided, single submitter. Criteria: GeneDx Variant Classification Process June 2021. Collection method: clinical testing. Allele origin: germline. Affected: yes.
Comment: Not observed at significant frequency in large population cohorts (gnomAD); Missense variants in this gene are a common cause of disease and they are underrepresented in the general population; In silico analysis supports that this missense variant has a deleterious effect on protein structure/function; Has not been previously published as pathogenic or benign to our knowledge

Labcorp Genetics (formerly Invitae), Labcorp
Classification: Uncertain significance for Early-infantile DEE. Last evaluated: 2023-04-09. Review status: criteria provided, single submitter. Criteria: Invitae Variant Classification Sherloc (09022015). Collection method: clinical testing. Allele origin: germline.
Comment: This variant is not present in population databases (gnomAD no frequency). This sequence change replaces valine, which is neutral and non-polar, with leucine, which is neutral and non-polar, at codon 1115 of the SCN1A protein (p.Val1115Leu). In summary, the available evidence is currently insufficient to determine the role of this variant in disease. Therefore, it has been classified as a Variant of Uncertain Significance. Advanced modeling of protein sequence and biophysical properties (such as structural, functional, and spatial information, amino acid conservation, physicochemical variation, residue mobility, and thermodynamic stability) performed at Invitae indicates that this missense variant is expected to disrupt SCN1A protein function. This variant has not been reported in the literature in individuals affected with SCN1A-related conditions.